The following is an entry in ClinVar:

NM_025144.4(ALPK1):c.3479C>A (p.Ala1160Asp)

Gene: ALPK1 (alpha kinase 1; plus strand). Cytogenetic location: 4q25.
Variant type: single nucleotide variant.
Coding change: c.3479C>A on transcript NM_025144.4 (MANE Select); coding-DNA position 3479, C replaced by A.
Protein change: p.Ala1160Asp; replaces alanine 1160 with aspartic acid.
Molecular consequence: missense variant.
Genome position (GRCh38, 1-based): chr4:112,439,813, C>A. VCF-style: chr4-112439813-C-A. GRCh37 (hg19) VCF-style: chr4-113360969-C-A.
Other names: c.3479C>A, p.Ala1160Asp (NM_001102406.2); c.3245C>A, p.Ala1082Asp (NM_001253884.2); short protein forms A1160D, A1082D.
Identifiers: ClinVar variation 4740188 (VCV004740188.1).
Genomic context (GRCh38, chr4:112,439,813, plus strand): 5'-AATTGTCAAATAACACGAAAGTGGTGAAAACAGAATACAAAGCCACAGAATATGGCTTGG[C>A]CTATGGCCATTTTTCTTATGAGTTTTCTAATCATAGAGATGTTGTGGTCGATTTACAAGG-3'
Protein context (NP_079420.3, residues 1150-1170): TEYKATEYGL[Ala1160Asp]YGHFSYEFSN

ClinVar aggregate classification (germline): Uncertain significance (1 of 4 stars; one submission).

gnomAD v4.1: 1 of 1,611,614 alleles (0.000062%); highest among the groups gnomAD compares: Non-Finnish European, 0.000085%; no homozygotes.

Submission:

Labcorp Genetics (formerly Invitae), Labcorp
Classification: Uncertain significance. Last evaluated: 2025-08-03. Review status: criteria provided, single submitter. Criteria: Invitae Variant Classification Sherloc (09022015). Collection method: clinical testing. Allele origin: germline.
Comment: This sequence change replaces alanine, which is neutral and non-polar, with aspartic acid, which is acidic and polar, at codon 1160 of the ALPK1 protein (p.Ala1160Asp). This variant is not present in population databases (gnomAD no frequency). This variant has not been reported in the literature in individuals affected with ALPK1-related conditions. An algorithm developed to predict the effect of missense changes on protein structure and function (PolyPhen-2) suggests that this variant is likely to be disruptive. In summary, the available evidence is currently insufficient to determine the role of this variant in disease. Therefore, it has been classified as a Variant of Uncertain Significance.